The following is an entry in ClinVar:

NM_020754.4(ARHGAP31):c.3746A>G (p.Asp1249Gly)

Gene: ARHGAP31 (Rho GTPase activating protein 31; plus strand). Cytogenetic location: 3q13.33.
Variant type: single nucleotide variant.
Coding change: c.3746A>G on transcript NM_020754.4 (MANE Select); coding-DNA position 3746, A replaced by G.
Protein change: p.Asp1249Gly; replaces aspartic acid 1249 with glycine.
Molecular consequence: missense variant.
Genome position (GRCh38, 1-based): chr3:119,415,675, A>G. VCF-style: chr3-119415675-A-G. GRCh37 (hg19) VCF-style: chr3-119134522-A-G.
Other names: c.3746A>G (NM_020754.2); short protein forms D1249G.
Identifiers: ClinVar variation 2183725 (VCV002183725.5), dbSNP rs1577037650, ClinGen allele CA354060469.
Genomic context (GRCh38, chr3:119,415,675, plus strand): 5'-TGGAGAGGAGCCAGGAGGGACCCAGCTCAACCAGTGGGACCACTCAGAAACCTGCCAAAG[A>G]TGATTCTCCCTCCTCCCTGGAAAGCTCAAAGGAAGAAAAACCAAAGCAAGATCCCGGAGC-3'
Protein context (NP_065805.2, residues 1239-1259): TSGTTQKPAK[Asp1249Gly]DSPSSLESSK

ClinVar aggregate classification (germline): Uncertain significance. Review status: criteria provided, multiple submitters, no conflicts (2 of 4 stars). 2 submissions from 2 submitters: Uncertain significance (2). Last evaluated 2025-02-12.

Conditions:
Inborn genetic diseases. Identifiers: MedGen C0950123, MeSH D030342.

Allele frequency attached by ClinVar (database versions not stated): gnomAD exomes below 0.00001; TOPMed 0.00001.
gnomAD v4.1: 1 of 1,614,144 alleles (0.000062%); highest among the groups gnomAD compares: Middle Eastern, 0.016%; no homozygotes.

Submissions (2):

Ambry Genetics
Classification: Uncertain significance for Inborn genetic diseases. Last evaluated: 2025-02-12. Review status: criteria provided, single submitter. Criteria: Ambry Variant Classification Scheme 2023. Collection method: clinical testing. Allele origin: germline.

Labcorp Genetics (formerly Invitae), Labcorp
Classification: Uncertain significance. Last evaluated: 2024-07-29. Review status: criteria provided, single submitter. Criteria: Invitae Variant Classification Sherloc (09022015). Collection method: clinical testing. Allele origin: germline.
Comment: This sequence change replaces aspartic acid, which is acidic and polar, with glycine, which is neutral and non-polar, at codon 1249 of the ARHGAP31 protein (p.Asp1249Gly). This variant is not present in population databases (gnomAD no frequency). This variant has not been reported in the literature in individuals affected with ARHGAP31-related conditions. ClinVar contains an entry for this variant (Variation ID: 2183725). An algorithm developed to predict the effect of missense changes on protein structure and function outputs the following: PolyPhen-2: "Benign". The glycine amino acid residue is found in multiple mammalian species, which suggests that this missense change does not adversely affect protein function. In summary, the available evidence is currently insufficient to determine the role of this variant in disease. Therefore, it has been classified as a Variant of Uncertain Significance.